The following continues an entry in ClinVar:

NM_000051.4(ATM):c.7919C>T (p.Thr2640Ile)

ClinVar aggregate classification (germline): Conflicting classifications of pathogenicity. Uncertain significance (9); Likely benign (9).

Submissions 15 to 23 of 23:

Sema4
Classification: Uncertain significance for Hereditary cancer-predisposing syndrome. Last evaluated: 2022-01-05. Review status: criteria provided, single submitter. Criteria: Sema4 Curation Guidelines. Collection method: curation. Allele origin: germline.
Comment: The ATM c.7919C>T (p.T2640I) variant has been reported in heterozygosity in at least 9 individuals with breast and/or ovarian cancer (PMID: 25186627, 29522266, 30426508, 30447919, 34359559). This variant has also been reported in multiple breast cancer case-control studies, none of which suggest enrichment in cases compared to controls (PMID: 30287823, 19781682, 33471991, 28779002). This variant was observed in 26/128824 chromosomes in the Non-Finnish European population, with no homozygotes, according to the Genome Aggregation Database (PMID: 27535533), and has been reported in ClinVar (Variation ID 133634). Functional studies have not been performed, and in silico predictions of the variant's effect on protein function are inconclusive. The overall evidence is inconsistent with ACMG/AMP requirements for a classification of benign or pathogenic. In summary, the clinical significance of this variant is currently uncertain.

Ambry Genetics
Classification: Likely benign for Hereditary cancer-predisposing syndrome. Last evaluated: 2019-05-22. Review status: criteria provided, single submitter. Criteria: Ambry Variant Classification Scheme 2023. Collection method: clinical testing. Allele origin: germline.

Clinical Genetics DNA and cytogenetics Diagnostics Lab, Erasmus MC, Erasmus Medical Center
Classification: Likely benign for Ataxia-telangiectasia syndrome. Last evaluated: 2017-03-06. Review status: criteria provided, single submitter. Criteria: ACGS Guidelines, 2013. Collection method: clinical testing. Allele origin: germline. Affected: yes. Study: VKGL Data-share Consensus.

Color Diagnostics, LLC DBA Color Health
Classification: Likely benign for Hereditary cancer-predisposing syndrome. Last evaluated: 2014-12-17. Review status: criteria provided, single submitter. Criteria: ACMG Guidelines, 2015. Collection method: clinical testing. Allele origin: germline.

ITMI
No classification provided. Condition: AllHighlyPenetrant. Last evaluated: 2013-09-19. Review status: no classification provided. Collection method: reference population. Allele origin: germline. Not counted in ClinVar's aggregate classification.
Comment: Please see associated publication for description of ethnicities

Department of Pathology and Laboratory Medicine, Sinai Health System
Classification: Uncertain significance for Malignant tumor of breast. Review status: no assertion criteria provided. Collection method: clinical testing. Allele origin: unknown. Affected: yes. Study: The Canadian Open Genetics Repository (COGR). Not counted in ClinVar's aggregate classification.
Comment: The ATM p.Thr2640Ile variant was identified in 1 of 1102 proband chromosomes (frequency: 0.0009) from individuals or families with breast cancer and was present in 2 of 24980 control chromosomes (frequency: 0.00008) from healthy individuals (Momozawa 2018, Tung 2016). The variant was also identified in dbSNP (ID: rs4988125) as "With Likely benign, other allele", ClinVar (classified as likely benign by two submitters; and as uncertain significance by Invitae, GeneDx, Ambry Genetics and two other submitters), and in LOVD 3.0 (3x). The variant was identified in control databases in 28 of 275836 chromosomes at a frequency of 0.0001 (Genome Aggregation Database Feb 27, 2017). The variant was observed in the following populations: European in 26 of 126328 chromosomes (freq: 0.0002) and Finnish in 2 of 24916 chromosomes (freq: 0.00008), while the variant was not observed in the African, Other, Latino, Ashkenazi Jewish, East Asian, or South Asian populations. The p.Thr2640 residue is not conserved in mammals and computational analyses (PolyPhen-2, SIFT, AlignGVGD, BLOSUM, MutationTaster) provide inconsistent predictions regarding the impact to the protein; this information is not very predictive of pathogenicity. The variant occurs outside of the splicing consensus sequence and in silico or computational prediction software programs (SpliceSiteFinder, MaxEntScan, NNSPLICE, GeneSplicer) do not predict a difference in splicing. In summary, based on the above information, the clinical significance of this variant cannot be determined with certainty at this time. This variant is classified as a variant of uncertain significance.

Diagnostic Laboratory, Department of Genetics, University Medical Center Groningen
Classification: Likely benign for Ataxia-telangiectasia syndrome. Review status: no assertion criteria provided. Collection method: clinical testing. Allele origin: germline. Affected: yes. Study: VKGL Data-share Consensus. Not counted in ClinVar's aggregate classification.

Genome Diagnostics Laboratory, Amsterdam University Medical Center
Classification: Likely benign. Review status: no assertion criteria provided. Collection method: clinical testing. Allele origin: germline. Affected: yes. Study: VKGL Data-share Consensus. Not counted in ClinVar's aggregate classification.

Joint Genome Diagnostic Labs from Nijmegen and Maastricht, Radboudumc and MUMC+
Classification: Likely benign. Review status: no assertion criteria provided. Collection method: clinical testing. Allele origin: germline. Affected: yes. Study: VKGL Data-share Consensus. Not counted in ClinVar's aggregate classification.

Literature cited by the submitters: PubMed 24728327 (cited by Women's Health and Genetics/Laboratory Corporation of America, LabCorp and ITMI); PubMed 19781682 (cited by Women's Health and Genetics/Laboratory Corporation of America, LabCorp and Sema4); PubMed 22529920 (cited by Women's Health and Genetics/Laboratory Corporation of America, LabCorp); PubMed 20305132 (cited by Women's Health and Genetics/Laboratory Corporation of America, LabCorp); PubMed 25186627 (cited by Women's Health and Genetics/Laboratory Corporation of America, LabCorp and Sema4); PubMed 21346221 (cited by Women's Health and Genetics/Laboratory Corporation of America, LabCorp); PubMed 29522266 (cited by Women's Health and Genetics/Laboratory Corporation of America, LabCorp and Sema4); PubMed 30287823 (cited by 3 submitters); PubMed 30426508 (cited by Women's Health and Genetics/Laboratory Corporation of America, LabCorp and Sema4); PubMed 30447919 (cited by Women's Health and Genetics/Laboratory Corporation of America, LabCorp and Sema4); PubMed 33471991 (cited by Women's Health and Genetics/Laboratory Corporation of America, LabCorp and Sema4); PubMed 34262154 (cited by Women's Health and Genetics/Laboratory Corporation of America, LabCorp); PubMed 36315919 (cited by Women's Health and Genetics/Laboratory Corporation of America, LabCorp); PubMed 40105422 (cited by Women's Health and Genetics/Laboratory Corporation of America, LabCorp); PubMed 25085752 (cited by Myriad Genetics, Inc.); PubMed 34359559 (cited by Sema4); PubMed 28779002 (cited by Sema4).